The following is an entry in ClinVar:

ClinVar aggregate classification (germline): Uncertain significance (1 of 4 stars; one submission).

Conditions:
Autosomal recessive limb-girdle muscular dystrophy. Identifiers: Orphanet 102015, MedGen C2931907, MONDO:0015152.

gnomAD v4.1: 4 of 1,564,624 alleles (0.00026%); highest among the groups gnomAD compares: Non-Finnish European, 0.00035%; no homozygotes.

Submission:

Myriad Genetics, Inc.
Classification: Uncertain significance for Autosomal recessive limb-girdle muscular dystrophy. Last evaluated: 2025-12-17. Review status: criteria provided, single submitter. Criteria: Myriad Autosomal Dominant, Autosomal Recessive and X-Linked Classification Criteria (2023). Collection method: clinical testing. Allele origin: unknown.
Comment: NM_003494.3(DYSF):c.2073G>C(Q691H) is a missense variant classified as a variant of uncertain significance in the context of dysferlinopathy. Q691H has been observed in a case with relevant disease (PMID: 39678382). Relevant functional assessments of this variant are not available in the literature. Q691H has not been observed in referenced population frequency databases. In summary, there is insufficient evidence to classify NM_003494.3(DYSF):c.2073G>C(Q691H) as pathogenic or benign. Please note: this variant was assessed in the context of healthy population screening.

Literature cited by the submitters: PubMed 39678382.

NM_001130987.2(DYSF):c.2127G>C (p.Gln709His)

Gene: DYSF (dysferlin; plus strand). Cytogenetic location: 2p13.2.
Variant type: single nucleotide variant.
Coding change: c.2127G>C on transcript NM_001130987.2 (MANE Select); coding-DNA position 2127, G replaced by C.
Protein change: p.Gln709His; replaces glutamine 709 with histidine.
Molecular consequence: missense variant.
Genome position (GRCh38, 1-based): chr2:71,555,982, G>C. VCF-style: chr2-71555982-G-C. GRCh37 (hg19) VCF-style: chr2-71783112-G-C.
Other names: c.2076G>C, p.Gln692His (NM_001130455.2, NM_001130983.2); c.2031G>C, p.Gln677His (NM_001130976.2, NM_001130977.2); c.2073G>C, p.Gln691His (NM_001130978.2, NM_003494.4); c.2166G>C, p.Gln722His (NM_001130979.2); c.2124G>C, p.Gln708His (NM_001130980.2, NM_001130981.2); c.2169G>C, p.Gln723His (NM_001130982.2); c.2034G>C, p.Gln678His (NM_001130984.2, NM_001130986.2); c.2127G>C, p.Gln709His (NM_001130985.2); short protein forms Q678H, Q723H, Q722H, Q692H, Q708H, Q709H, Q677H, Q691H.
Identifiers: ClinVar variation 5003457 (VCV005003457.1).